The following is an entry in ClinVar:

NM_022132.5(MCCC2):c.1179A>G (p.Gln393=)

Gene: MCCC2 (methylcrotonyl-CoA carboxylase subunit 2; plus strand). Cytogenetic location: 5q13.2.
Variant type: single nucleotide variant.
Coding change: c.1179A>G on transcript NM_022132.5 (MANE Select); coding-DNA position 1179, A replaced by G.
Protein change: p.Gln393=; no amino-acid change (glutamine 393 retained).
Molecular consequence: synonymous variant.
Genome position (GRCh38, 1-based): chr5:71,646,240, A>G. VCF-style: chr5-71646240-A-G. GRCh37 (hg19) VCF-style: chr5-70942067-A-G.
Other names: c.1065A>G, p.Gln355= (NM_001363147.1).
Identifiers: ClinVar variation 512139 (VCV000512139.1), dbSNP rs1383864998, ClinGen allele CA444802308.

ClinVar aggregate classification (germline): Likely benign (1 of 4 stars; one submission).

gnomAD v4.1: 2 of 1,613,922 alleles (0.00012%); highest among the groups gnomAD compares: Non-Finnish European, 0.00017%; no homozygotes.

Submission:

GeneDx
Classification: Likely benign. Last evaluated: 2017-10-05. Review status: criteria provided, single submitter. Criteria: GeneDx Variant Classification (06012015). Collection method: clinical testing. Allele origin: germline. Affected: yes.
Comment: This variant is considered likely benign or benign based on one or more of the following criteria: it is a conservative change, it occurs at a poorly conserved position in the protein, it is predicted to be benign by multiple in silico algorithms, and/or has population frequency not consistent with disease.